The following is an entry in ClinVar:

ClinVar aggregate classification (germline): Uncertain significance (1 of 4 stars; one submission).

gnomAD v4.1: 3 of 1,580,758 alleles (0.00019%); highest among the groups gnomAD compares: Non-Finnish European, 0.00026%; no homozygotes.

Submission:

GeneDx
Classification: Uncertain significance. Last evaluated: 2024-05-16. Review status: criteria provided, single submitter. Criteria: GeneDx Variant Classification Process June 2021. Collection method: clinical testing. Allele origin: germline. Affected: yes.
Comment: Not observed at significant frequency in large population cohorts (gnomAD); In silico analysis supports that this missense variant has a deleterious effect on protein structure/function; Has not been previously published as pathogenic or benign to our knowledge

NM_006031.6(PCNT):c.5824A>G (p.Arg1942Gly)

Gene: PCNT (pericentrin; plus strand). Cytogenetic location: 21q22.3.
Variant type: single nucleotide variant.
Coding change: c.5824A>G on transcript NM_006031.6 (MANE Select); coding-DNA position 5824, A replaced by G.
Protein change: p.Arg1942Gly; replaces arginine 1942 with glycine.
Molecular consequence: missense variant.
Genome position (GRCh38, 1-based): chr21:46,411,897, A>G. VCF-style: chr21-46411897-A-G. GRCh37 (hg19) VCF-style: chr21-47831811-A-G.
Other names: c.5470A>G, p.Arg1824Gly (NM_001315529.2); short protein forms R1824G, R1942G.
Identifiers: ClinVar variation 3377927 (VCV003377927.1).